The following is an entry in ClinVar:

ClinVar aggregate classification (germline): Uncertain significance. Review status: criteria provided, multiple submitters, no conflicts (2 of 4 stars). 3 submissions from 3 submitters: Uncertain significance (3). Last evaluated 2023-12-05.

Conditions:
Hereditary cancer-predisposing syndrome. Also called: Neoplastic Syndromes, Hereditary; Hereditary neoplastic syndrome; Tumor predisposition; Hereditary Cancer Syndrome. Identifiers: Orphanet 140162, MedGen C0027672, MeSH D009386, MONDO:0015356.
Familial cancer of breast. Also called: BREAST CANCER, FAMILIAL; hereditary breast carcinoma; Hereditary breast cancer. Identifiers: Orphanet 227535, MedGen C0346153, MONDO:0016419, OMIM 114480. Disease mechanism: loss of function.
Fanconi anemia complementation group J. Also called: BRIP1-Related Fanconi Anemia. Identifiers: Orphanet 84, MedGen C1836860, MONDO:0012187, OMIM 609054.

Allele frequency attached by ClinVar (database versions not stated): gnomAD exomes below 0.00001; ExAC 0.00001.

Submissions (3):

Color Diagnostics, LLC DBA Color Health
Classification: Uncertain significance for Hereditary cancer-predisposing syndrome. Last evaluated: 2023-12-05. Review status: criteria provided, single submitter. Criteria: ACMG Guidelines, 2015. Collection method: clinical testing. Allele origin: germline.
Comment: This missense variant replaces isoleucine with phenylalanine at codon 983 of the BRIP1 protein. Computational prediction suggests that this variant may not impact protein structure and function (internally defined REVEL score threshold <= 0.5, PMID: 27666373). To our knowledge, functional studies have not been reported for this variant. This variant has not been reported in individuals affected with BRIP1-related disorders in the literature. This variant has been identified in 1/250608 chromosomes in the general population by the Genome Aggregation Database (gnomAD). The available evidence is insufficient to determine the role of this variant in disease conclusively. Therefore, this variant is classified as a Variant of Uncertain Significance.

Labcorp Genetics (formerly Invitae), Labcorp
Classification: Uncertain significance for Familial cancer of breast; Fanconi anemia complementation group J. Last evaluated: 2023-08-28. Review status: criteria provided, single submitter. Criteria: Invitae Variant Classification Sherloc (09022015). Collection method: clinical testing. Allele origin: germline.
Comment: In summary, the available evidence is currently insufficient to determine the role of this variant in disease. Therefore, it has been classified as a Variant of Uncertain Significance. Algorithms developed to predict the effect of missense changes on protein structure and function output the following: SIFT: "Not Available"; PolyPhen-2: "Benign"; Align-GVGD: "Not Available". The phenylalanine amino acid residue is found in multiple mammalian species, which suggests that this missense change does not adversely affect protein function. ClinVar contains an entry for this variant (Variation ID: 837190). This variant has not been reported in the literature in individuals affected with BRIP1-related conditions. This variant is present in population databases (rs755337038, gnomAD 0.006%). This sequence change replaces isoleucine, which is neutral and non-polar, with phenylalanine, which is neutral and non-polar, at codon 983 of the BRIP1 protein (p.Ile983Phe).

Ambry Genetics
Classification: Uncertain significance for Hereditary cancer-predisposing syndrome. Last evaluated: 2023-08-04. Review status: criteria provided, single submitter. Criteria: Ambry Variant Classification Scheme 2023. Collection method: clinical testing. Allele origin: germline.
Comment: The p.I983F variant (also known as c.2947A>T), located in coding exon 19 of the BRIP1 gene, results from an A to T substitution at nucleotide position 2947. The isoleucine at codon 983 is replaced by phenylalanine, an amino acid with highly similar properties. This amino acid position is conserved. In addition, this alteration is predicted to be tolerated by in silico analysis. Since supporting evidence is limited at this time, the clinical significance of this alteration remains unclear.

NM_032043.3(BRIP1):c.2947A>T (p.Ile983Phe)

Gene: BRIP1 (BRCA1 interacting DNA helicase 1; minus strand). Cytogenetic location: 17q23.2.
Variant type: single nucleotide variant.
Coding change: c.2947A>T on transcript NM_032043.3 (MANE Select); coding-DNA position 2947, A replaced by T.
Protein change: p.Ile983Phe; replaces isoleucine 983 with phenylalanine.
Molecular consequence: missense variant.
Genome position (GRCh38, 1-based): chr17:61,684,099, T>A on the plus strand (A>T on the coding strand, the complement: BRIP1 is on the minus strand). VCF-style: chr17-61684099-T-A. GRCh37 (hg19) VCF-style: chr17-59761460-T-A.
Other names: short protein forms I983F.
Identifiers: ClinVar variation 837190 (VCV000837190.16), dbSNP rs755337038, ClinGen allele CA8690420.
Genomic context (GRCh38, chr17:61,684,099, plus strand): 5'-ACCAGCTAACTCTCTTTGTTTGTTTGTTGAAAGTTGGGCTTGTGGATCTGGAAATCACAA[T>A]TTTTTCTGCTTTCCCTGCTTCTTCCAGGAATACTGGATCATCTAAGAATACAAGAATTTA-3'
Protein context (NP_114432.2, residues 973-993): FLEEAGKAEK[Ile983Phe]VISRSTSPTF